The following is an entry in ClinVar:

ClinVar aggregate classification (germline): Uncertain significance (1 of 4 stars; one submission).

Conditions:
Stickler syndrome, type 4 (STL4). Identifiers: Orphanet 250984, Orphanet 828, MedGen C3279941, MONDO:0013590, OMIM 614134.

Submission:

Juno Genomics, Hangzhou Juno Genomics, Inc
Classification: Uncertain significance for Stickler syndrome, type 4. Review status: criteria provided, single submitter. Criteria: ACMG Guidelines, 2015. Collection method: clinical testing. Allele origin: germline.
Comment: Null variant in a gene where loss of function (LOF) is a known mechanism of disease.;Absent from controls (or at extremely low frequency if recessive) in Genome Aggregation Database.

NM_001851.6(COL9A1):c.1143+1G>T

Gene: COL9A1 (collagen type IX alpha 1 chain; minus strand). Cytogenetic location: 6q13.
Variant type: single nucleotide variant.
Coding change: c.1143+1G>T on transcript NM_001851.6 (MANE Select); the canonical splice donor site of the intron after coding-DNA position 1143, G replaced by T.
Molecular consequence: splice donor variant.
Genome position (GRCh38, 1-based): chr6:70,271,654, C>A on the plus strand (G>T on the coding strand, the complement: COL9A1 is on the minus strand). VCF-style: chr6-70271654-C-A. GRCh37 (hg19) VCF-style: chr6-70981357-C-A.
Other names: c.414+1G>T (NM_001377290.1, NM_078485.4, NM_001377289.1).
Identifiers: ClinVar variation 5007087 (VCV005007087.2).